The following is an entry in ClinVar:

ClinVar aggregate classification (germline): Pathogenic (1 of 4 stars; one submission).

Allele frequency attached by ClinVar (database versions not stated): TOPMed below 0.00001; ExAC 0.00001; gnomAD 0.00001.
gnomAD v4.1: 5 of 1,613,270 alleles (0.00031%); highest among the groups gnomAD compares: African/African-American, 0.0013%; no homozygotes.

Submission:

Labcorp Genetics (formerly Invitae), Labcorp
Classification: Pathogenic. Last evaluated: 2023-12-16. Review status: criteria provided, single submitter. Criteria: Invitae Variant Classification Sherloc (09022015). Collection method: clinical testing. Allele origin: germline.
Comment: This sequence change creates a premature translational stop signal (p.Arg413*) in the MYH14 gene. It is expected to result in an absent or disrupted protein product. Loss-of-function variants in MYH14 are known to be pathogenic (PMID: 15015131, 28221712). The frequency data for this variant in the population databases is considered unreliable, as metrics indicate poor data quality at this position in the gnomAD database. This variant has not been reported in the literature in individuals affected with MYH14-related conditions. For these reasons, this variant has been classified as Pathogenic.

Literature cited by the submitters: PubMed 15015131; PubMed 28221712.

NM_001145809.2(MYH14):c.1261C>T (p.Arg421Ter)

Gene: MYH14 (myosin heavy chain 14; plus strand). Cytogenetic location: 19q13.33.
Variant type: single nucleotide variant.
Coding change: c.1261C>T on transcript NM_001145809.2 (MANE Select); coding-DNA position 1261, C replaced by T.
Protein change: p.Arg421Ter; replaces arginine 421 with a stop codon.
Molecular consequence: nonsense.
Genome position (GRCh38, 1-based): chr19:50,247,054, C>T. VCF-style: chr19-50247054-C-T. GRCh37 (hg19) VCF-style: chr19-50750311-C-T.
Other names: c.1261C>T, p.Arg421Ter (NM_001077186.2); c.1237C>T, p.Arg413Ter (NM_024729.4); short protein forms R421*, R413*.
Identifiers: ClinVar variation 2984879 (VCV002984879.3), dbSNP rs767205350, ClinGen allele CA9592574.
Genomic context (GRCh38, chr19:50,247,054, plus strand): 5'-TCGCCCTCAGCTGCACAGAAGCTCTGCCGCCTCTTGGGACTGGGGGTGACGGATTTCTCC[C>T]GAGCCTTGCTCACCCCTCGCATCAAAGTTGGCCGAGACTATGTGCAGAAAGCCCAGACTA-3'